The following is an entry in ClinVar:

NM_017617.5(NOTCH1):c.5971C>T (p.Arg1991Cys)

Genes: NOTCH1 (notch receptor 1; minus strand), LOC126860794 (BRD4-independent group 4 enhancer GRCh37_chr9:139392592-139393791; plus strand). Cytogenetic location: 9q34.3.
Variant type: single nucleotide variant.
Coding change: c.5971C>T on transcript NM_017617.5 (MANE Select); coding-DNA position 5971, C replaced by T.
Protein change: p.Arg1991Cys; replaces arginine 1991 with cysteine.
Molecular consequence: missense variant.
Genome position (GRCh38, 1-based): chr9:136,499,223, G>A on the plus strand (C>T on the coding strand, the complement: NOTCH1 is on the minus strand). VCF-style: chr9-136499223-G-A. GRCh37 (hg19) VCF-style: chr9-139393675-G-A.
Other names: c.5971C>T, p.Arg1991Cys (LRG_1122t1); c.5971C>T (NM_017617.4); short protein forms R1991C.
Identifiers: ClinVar variation 576963 (VCV000576963.12), dbSNP rs759553984, ClinGen allele CA5340068.
Genomic context (GRCh38, chr9:136,499,223, plus strand): 5'-GCATGCCCTCCACGGCCAGGCGGGCAGCCAGGATCAGTGGCGTCGTGCCATCATGCATGC[G>A]GGCATCCAGGTCTGTGGCTCGGTTCCGGATCAGGATCTGGGCAACAGGGAGAGGCTCAGG-3'
Protein context (NP_060087.3, residues 1981-2001): IRNRATDLDA[Arg1991Cys]MHDGTTPLIL

ClinVar aggregate classification (germline): Likely benign. Review status: criteria provided, single submitter (1 of 4 stars). 2 submissions from 2 submitters: Likely benign (1). 1 of the submissions does not count toward it. Last evaluated 2022-06-04.

Conditions:
NOTCH1-related disorder. Also called: NOTCH1-related condition; NOTCH1-related disorders.
Adams-Oliver syndrome 5 (AOS5). Identifiers: Orphanet 974, MedGen C4014970, MONDO:0014459, OMIM 616028.

Allele frequency attached by ClinVar (database versions not stated): TOPMed below 0.00001; ExAC 0.00001; gnomAD 0.00001; gnomAD exomes 0.00001.
gnomAD v4.1: 9 of 1,613,150 alleles (0.00056%); highest among the groups gnomAD compares: Admixed American, 0.0033%; no homozygotes.

Submissions (2):

Labcorp Genetics (formerly Invitae), Labcorp
Classification: Likely benign for Adams-Oliver syndrome 5. Last evaluated: 2022-06-04. Review status: criteria provided, single submitter. Criteria: Invitae Variant Classification Sherloc (09022015). Collection method: clinical testing. Allele origin: germline.

PreventionGenetics, part of Exact Sciences
Classification: Uncertain significance for NOTCH1-related condition. Last evaluated: 2023-10-18. Review status: no assertion criteria provided. Collection method: clinical testing. Allele origin: germline. Not counted in ClinVar's aggregate classification.
Comment: The NOTCH1 c.5971C>T variant is predicted to result in the amino acid substitution p.Arg1991Cys. To our knowledge, this variant has not been reported in the literature. This variant is reported in 0.0057% of alleles in individuals of Latino descent in gnomAD. At this time, the clinical significance of this variant is uncertain due to the absence of conclusive functional and genetic evidence.